The following is an entry in ClinVar:

NM_021615.5(CHST6):c.1124T>G (p.Val375Gly)

Gene: CHST6 (carbohydrate sulfotransferase 6; minus strand). Cytogenetic location: 16q23.1.
Variant type: single nucleotide variant.
Coding change: c.1124T>G on transcript NM_021615.5 (MANE Select); coding-DNA position 1124, T replaced by G.
Protein change: p.Val375Gly; replaces valine 375 with glycine.
Molecular consequence: missense variant.
Genome position (GRCh38, 1-based): chr16:75,478,705, A>C on the plus strand (T>G on the coding strand, the complement: CHST6 is on the minus strand). VCF-style: chr16-75478705-A-C. GRCh37 (hg19) VCF-style: chr16-75512603-A-C.
Other names: short protein forms V375G.
Identifiers: ClinVar variation 885062 (VCV000885062.8), dbSNP rs142097284, ClinGen allele CA8175281.

ClinVar aggregate classification (germline): Uncertain significance. Review status: criteria provided, multiple submitters, no conflicts (2 of 4 stars). 2 submissions from 2 submitters: Uncertain significance (2). Last evaluated 2022-01-12.

Conditions:
Macular corneal dystrophy (MCD). Also called: Macular corneal dystrophy Type I; GROENOUW TYPE II CORNEAL DYSTROPHY. Identifiers: Orphanet 98969, MedGen C1636149, MONDO:0009020, OMIM 217800.

Allele frequency attached by ClinVar (database versions not stated): gnomAD 0.00038 and 0.00046; TOPMed 0.00047; gnomAD exomes 0.00053 and 0.00061; ExAC 0.00057; ESP Exome Variant Server 0.00062.
gnomAD v4.1: 943 of 1,613,530 alleles (0.058%); highest among the groups gnomAD compares: Non-Finnish European, 0.075%; no homozygotes.

Submissions (2):

Labcorp Genetics (formerly Invitae), Labcorp
Classification: Uncertain significance for Macular corneal dystrophy. Last evaluated: 2022-01-12. Review status: criteria provided, single submitter. Criteria: Invitae Variant Classification Sherloc (09022015). Collection method: clinical testing. Allele origin: germline.
Comment: This sequence change replaces valine, which is neutral and non-polar, with glycine, which is neutral and non-polar, at codon 375 of the CHST6 protein (p.Val375Gly). This variant is present in population databases (rs142097284, gnomAD 0.1%), and has an allele count higher than expected for a pathogenic variant. This variant has not been reported in the literature in individuals affected with CHST6-related conditions. ClinVar contains an entry for this variant (Variation ID: 885062). Algorithms developed to predict the effect of missense changes on protein structure and function (SIFT, PolyPhen-2, Align-GVGD) all suggest that this variant is likely to be disruptive. In summary, the available evidence is currently insufficient to determine the role of this variant in disease. Therefore, it has been classified as a Variant of Uncertain Significance.

Illumina Laboratory Services, Illumina
Classification: Uncertain significance for Macular corneal dystrophy. Last evaluated: 2018-01-13. Review status: criteria provided, single submitter. Criteria: ICSL Variant Classification Criteria 13 December 2019. Collection method: clinical testing. Allele origin: germline.